The following is an entry in ClinVar:

ClinVar aggregate classification (germline): Likely pathogenic. Review status: criteria provided, multiple submitters, no conflicts (2 of 4 stars). 3 submissions from 3 submitters: Likely pathogenic (3). Last evaluated 2026-01-19.

Conditions:
Skeletal muscle channelopathy.
CLCN1-related disorder. Also called: CLCN1-related condition.
Congenital myotonia, autosomal recessive form. Also called: BECKER DISEASE; myotonia congenita, autosomal recessive; Becker Generalized Myotonia. Identifiers: Orphanet 614, MedGen C0751360, MONDO:0009715, OMIM 255700.
Congenital myotonia, autosomal dominant form (THD). Also called: THOMSEN DISEASE; Myotonia congenita autosomal dominant. Identifiers: Orphanet 614, MedGen C2936781, MONDO:0008055, OMIM 160800.

Allele frequency attached by ClinVar (database versions not stated): TOPMed below 0.00001.

Submissions (3):

Genetics Laboratory, Great Ormond Street Hospital NHS Foundation Trust, North Thames Genomic Laboratory Hub
Classification: Likely pathogenic for Skeletal muscle channelopathy. Last evaluated: 2026-01-19. Review status: criteria provided, single submitter. Criteria: ACGS Best Practice Guidelines for Variant Classification in Rare Disease 2024 v1.2. Collection method: clinical testing. Allele origin: germline. Affected: yes.
Comment: PM2_moderate, PP3_supporting, PS3_supporting, PM3_moderate

Blueprint Genetics
Classification: Likely pathogenic for CLCN1-related disorders. Last evaluated: 2024-11-20. Review status: criteria provided, single submitter. Criteria: ACMG Guidelines, 2015. Collection method: clinical testing. Allele origin: germline. Affected: yes. Observed: 1 variant allele.

Labcorp Genetics (formerly Invitae), Labcorp
Classification: Likely pathogenic for Congenital myotonia, autosomal recessive form; Congenital myotonia, autosomal dominant form. Last evaluated: 2024-02-22. Review status: criteria provided, single submitter. Criteria: Invitae Variant Classification Sherloc (09022015). Collection method: clinical testing. Allele origin: germline.
Comment: This sequence change replaces tryptophan, which is neutral and slightly polar, with arginine, which is basic and polar, at codon 164 of the CLCN1 protein (p.Trp164Arg). This variant is not present in population databases (gnomAD no frequency). This missense change has been observed in individual(s) with autosomal recessive myotonia congenita (PMID: 22521272). In at least one individual the data is consistent with being in trans (on the opposite chromosome) from a pathogenic variant. This variant has been reported in individual(s) with autosomal dominant myotonia congenita (PMID: 24349310); however, the role of the variant in this condition is currently unclear. Advanced modeling of protein sequence and biophysical properties (such as structural, functional, and spatial information, amino acid conservation, physicochemical variation, residue mobility, and thermodynamic stability) performed at Invitae indicates that this missense variant is expected to disrupt CLCN1 protein function with a positive predictive value of 95%. Experimental studies have shown that this missense change affects CLCN1 function (PMID: 22521272). In summary, the currently available evidence indicates that the variant is pathogenic, but additional data are needed to prove that conclusively. Therefore, this variant has been classified as Likely Pathogenic.

Literature cited by the submitters: PubMed 22521272 (cited by Labcorp Genetics (formerly Invitae), Labcorp); PubMed 24349310 (cited by Labcorp Genetics (formerly Invitae), Labcorp).

NM_000083.3(CLCN1):c.490T>C (p.Trp164Arg)

Gene: CLCN1 (chloride voltage-gated channel 1; plus strand). Cytogenetic location: 7q34.
Variant type: single nucleotide variant.
Coding change: c.490T>C on transcript NM_000083.3 (MANE Select); coding-DNA position 490, T replaced by C.
Protein change: p.Trp164Arg; replaces tryptophan 164 with arginine.
Molecular consequence: missense variant. On other transcripts: non-coding transcript variant (1).
Genome position (GRCh38, 1-based): chr7:143,321,421, T>C. VCF-style: chr7-143321421-T-C. GRCh37 (hg19) VCF-style: chr7-143018514-T-C.
Other names: short protein forms W164R.
Identifiers: ClinVar variation 2925419 (VCV002925419.5), dbSNP rs1802429044, ClinGen allele CA369683630.